The following is an entry in ClinVar:

ClinVar aggregate classification (germline): Uncertain significance (1 of 4 stars; one submission).

Conditions:
Peroxisome biogenesis disorder, complementation group K (CGK). Identifiers: MedGen C1866257, MONDO:0800365.

Submission:

Labcorp Genetics (formerly Invitae), Labcorp
Classification: Uncertain significance for Peroxisome biogenesis disorder, complementation group K. Last evaluated: 2022-05-25. Review status: criteria provided, single submitter. Criteria: Invitae Variant Classification Sherloc (09022015). Collection method: clinical testing. Allele origin: germline.
Comment: This sequence change falls in intron 8 of the PEX14 gene. It does not directly change the encoded amino acid sequence of the PEX14 protein. It affects a nucleotide within the consensus splice site. This variant is present in population databases (no rsID available, gnomAD 0.007%). This variant has not been reported in the literature in individuals affected with PEX14-related conditions. Variants that disrupt the consensus splice site are a relatively common cause of aberrant splicing (PMID: 17576681, 9536098). Algorithms developed to predict the effect of sequence changes on RNA splicing suggest that this variant is not likely to affect RNA splicing. In summary, the available evidence is currently insufficient to determine the role of this variant in disease. Therefore, it has been classified as a Variant of Uncertain Significance.

Literature cited by the submitters: PubMed 17576681; PubMed 9536098.

NM_004565.3(PEX14):c.677+6_677+8del

Gene: PEX14 (peroxisomal biogenesis factor 14; plus strand). Cytogenetic location: 1p36.22.
Variant type: Microsatellite.
Coding change: c.677+6_677+8del on transcript NM_004565.3 (MANE Select); bases 6 to 8 of the intron after coding-DNA position 677, 3 bases deleted (AGG; older notation c.677+6_677+8delAGG).
Molecular consequence: intron variant.
Genome position (GRCh38, 1-based): chr1:10,627,369-10,627,371, AGG deleted; deleting any 3 consecutive bases within chr1:10,627,366-10,627,371 gives the same sequence; the c. name uses the placement nearest the transcript's 3' end. VCF-style (leftmost placement, unchanged base first): chr1-10627365-TAGG-T. GRCh37 (hg19) VCF-style: chr1-10687422-TAGG-T.
Identifiers: ClinVar variation 1998808 (VCV001998808.2), dbSNP rs1425419817, ClinGen allele CA521146647.